The following is an entry in ClinVar:

NM_000379.4(XDH):c.1210C>A (p.Leu404Met)

Gene: XDH (xanthine dehydrogenase; minus strand). Cytogenetic location: 2p23.1.
Variant type: single nucleotide variant.
Coding change: c.1210C>A on transcript NM_000379.4 (MANE Select); coding-DNA position 1210, C replaced by A.
Protein change: p.Leu404Met; replaces leucine 404 with methionine.
Molecular consequence: missense variant.
Genome position (GRCh38, 1-based): chr2:31,379,899, G>T on the plus strand (C>A on the coding strand, the complement: XDH is on the minus strand). VCF-style: chr2-31379899-G-T. GRCh37 (hg19) VCF-style: chr2-31602765-G-T.
Other names: short protein forms L404M.
Identifiers: ClinVar variation 941422 (VCV000941422.12), dbSNP rs372033714, ClinGen allele CA1599313.

ClinVar aggregate classification (germline): Uncertain significance. Review status: criteria provided, multiple submitters, no conflicts (2 of 4 stars). 3 submissions from 3 submitters: Uncertain significance (3). Last evaluated 2025-11-17.

Conditions:
Xanthinuria type II. Also called: Xanthine dehydrogenase and aldehyde oxidase combined deficiency of; XDH and AOX dual deficiency. Identifiers: Orphanet 3467, Orphanet 93602, MedGen C1863688, MONDO:0011346, OMIM 603592.
Inborn genetic diseases. Identifiers: MedGen C0950123, MeSH D030342.
Hereditary xanthinuria type 1 (XAN1). Identifiers: Orphanet 3467, Orphanet 93601, MedGen C0268118, MONDO:0010209, OMIM 278300.

Allele frequency attached by ClinVar (database versions not stated): gnomAD exomes 0.00002 and 0.00008; ExAC 0.00008; gnomAD 0.00014 and 0.00018; ESP Exome Variant Server 0.00015; TOPMed 0.00025; 1000 Genomes Project 0.00120; 1000 Genomes Project 30x 0.00172.
gnomAD v4.1: 57 of 1,614,218 alleles (0.0035%); highest among the groups gnomAD compares: African/African-American, 0.053%; no homozygotes.

Submissions (3):

Ambry Genetics
Classification: Uncertain significance for Inborn genetic diseases. Last evaluated: 2025-11-17. Review status: criteria provided, single submitter. Criteria: Ambry Variant Classification Scheme 2023. Collection method: clinical testing. Allele origin: germline.

Fulgent Genetics
Classification: Uncertain significance for Hereditary xanthinuria type 1. Last evaluated: 2022-02-05. Review status: criteria provided, single submitter. Criteria: ACMG Guidelines, 2015. Collection method: clinical testing. Allele origin: unknown.

Labcorp Genetics (formerly Invitae), Labcorp
Classification: Uncertain significance for Xanthinuria type II. Last evaluated: 2019-09-08. Review status: criteria provided, single submitter. Criteria: Invitae Variant Classification Sherloc (09022015). Collection method: clinical testing. Allele origin: germline.
Comment: This variant has not been reported in the literature in individuals with XDH-related conditions. This variant is present in population databases (rs372033714, ExAC 0.09%). This sequence change replaces leucine with methionine at codon 404 of the XDH protein (p.Leu404Met). The leucine residue is highly conserved and there is a small physicochemical difference between leucine and methionine. Algorithms developed to predict the effect of missense changes on protein structure and function are either unavailable or do not agree on the potential impact of this missense change (SIFT: "Deleterious"; PolyPhen-2: "Possibly Damaging"; Align-GVGD: "Class C0"). In summary, the available evidence is currently insufficient to determine the role of this variant in disease. Therefore, it has been classified as a Variant of Uncertain Significance.